The following is an entry in ClinVar:

NM_198252.3(GSN):c.223G>T (p.Gly75Trp)

Gene: GSN (gelsolin; plus strand). Cytogenetic location: 9q33.2.
Variant type: single nucleotide variant.
Coding change: c.223G>T on transcript NM_198252.3 (MANE Select); coding-DNA position 223, G replaced by T.
Protein change: p.Gly75Trp; replaces glycine 75 with tryptophan.
Molecular consequence: missense variant. On other transcripts: 5 prime UTR variant (1).
Genome position (GRCh38, 1-based): chr9:121,302,937, G>T. VCF-style: chr9-121302937-G-T. GRCh37 (hg19) VCF-style: chr9-124065215-G-T.
Other names: c.376G>T, p.Gly126Trp (NM_000177.5); c.223G>T, p.Gly75Trp (NM_001127662.2, NM_001127664.2, NM_001127665.2 and 10 more transcripts); c.331G>T, p.Gly111Trp (NM_001127663.2); c.256G>T, p.Gly86Trp (NM_001127666.2, NM_001127667.2, NM_001353063.2 and 13 more transcripts); c.274G>T, p.Gly92Trp (NM_001258029.2); c.247G>T, p.Gly83Trp (NM_001258030.2); c.295G>T, p.Gly99Trp (NM_001353076.2); c.-432G>T (NM_001353078.2); short protein forms G99W, G92W, G111W, G126W, G75W, G83W, G86W.
Identifiers: ClinVar variation 2995741 (VCV002995741.3), dbSNP rs369305328, ClinGen allele CA374733623.

ClinVar aggregate classification (germline): Uncertain significance (1 of 4 stars; one submission).

gnomAD v4.1: 1 of 1,613,946 alleles (0.000062%); highest among the groups gnomAD compares: Non-Finnish European, 0.000085%; no homozygotes.

Submission:

Labcorp Genetics (formerly Invitae), Labcorp
Classification: Uncertain significance. Last evaluated: 2025-02-17. Review status: criteria provided, single submitter. Criteria: Invitae Variant Classification Sherloc (09022015). Collection method: clinical testing. Allele origin: germline.
Comment: This sequence change replaces glycine, which is neutral and non-polar, with tryptophan, which is neutral and slightly polar, at codon 126 of the GSN protein (p.Gly126Trp). This variant is not present in population databases (gnomAD no frequency). This variant has not been reported in the literature in individuals affected with GSN-related conditions. ClinVar contains an entry for this variant (Variation ID: 2995741). An algorithm developed to predict the effect of missense changes on protein structure and function (PolyPhen-2) suggests that this variant is likely to be disruptive. In summary, the available evidence is currently insufficient to determine the role of this variant in disease. Therefore, it has been classified as a Variant of Uncertain Significance.